The following is an entry in ClinVar:

NM_033124.5(DRC2):c.356G>A (p.Ser119Asn)

Gene: DRC2 (dynein regulatory complex subunit 2; plus strand). Cytogenetic location: 12q13.12.
Variant type: single nucleotide variant.
Coding change: c.356G>A on transcript NM_033124.5 (MANE Select); coding-DNA position 356, G replaced by A.
Protein change: p.Ser119Asn; replaces serine 119 with asparagine.
Molecular consequence: missense variant. On other transcripts: 5 prime UTR variant (1).
Genome position (GRCh38, 1-based): chr12:48,914,459, G>A. VCF-style: chr12-48914459-G-A. GRCh37 (hg19) VCF-style: chr12-49308242-G-A.
Other names: c.-74G>A (NM_001286957.2); short protein forms S119N.
Identifiers: ClinVar variation 1397055 (VCV001397055.6), dbSNP rs2088474089, ClinGen allele CA384625636.

ClinVar aggregate classification (germline): Uncertain significance (1 of 4 stars; one submission).

Conditions:
Primary ciliary dyskinesia 27. Also called: CILIARY DYSKINESIA, PRIMARY, 27, WITHOUT SITUS INVERSUS. Identifiers: Orphanet 244, MedGen C3809701, MONDO:0014215, OMIM 615504.

Allele frequency attached by ClinVar (database versions not stated): gnomAD exomes below 0.00001; TOPMed below 0.00001.
gnomAD v4.1: 1 of 1,614,182 alleles (0.000062%); highest among the groups gnomAD compares: Non-Finnish European, 0.000085%; no homozygotes.

Submission:

Labcorp Genetics (formerly Invitae), Labcorp
Classification: Uncertain significance for Primary ciliary dyskinesia 27. Last evaluated: 2021-08-04. Review status: criteria provided, single submitter. Criteria: Invitae Variant Classification Sherloc (09022015). Collection method: clinical testing. Allele origin: germline.
Comment: In summary, the available evidence is currently insufficient to determine the role of this variant in disease. Therefore, it has been classified as a Variant of Uncertain Significance. Algorithms developed to predict the effect of missense changes on protein structure and function (SIFT, PolyPhen-2, Align-GVGD) all suggest that this variant is likely to be tolerated. This variant has not been reported in the literature in individuals affected with CCDC65-related conditions. This variant is not present in population databases (ExAC no frequency). This sequence change replaces serine with asparagine at codon 119 of the CCDC65 protein (p.Ser119Asn). The serine residue is moderately conserved and there is a small physicochemical difference between serine and asparagine.